The following is an entry in ClinVar:

NM_000548.5(TSC2):c.4667A>G (p.Asn1556Ser)

Gene: TSC2 (TSC complex subunit 2; plus strand). Cytogenetic location: 16p13.3.
Variant type: single nucleotide variant.
Coding change: c.4667A>G on transcript NM_000548.5 (MANE Select); coding-DNA position 4667, A replaced by G.
Protein change: p.Asn1556Ser; replaces asparagine 1556 with serine.
Molecular consequence: missense variant.
Genome position (GRCh38, 1-based): chr16:2,086,197, A>G. VCF-style: chr16-2086197-A-G. GRCh37 (hg19) VCF-style: chr16-2136198-A-G.
Other names: c.4466A>G, p.Asn1489Ser (NM_001077183.3); c.4598A>G, p.Asn1533Ser (NM_001114382.3); c.4358A>G, p.Asn1453Ser (NM_001318827.2); c.4322A>G, p.Asn1441Ser (NM_001318829.2); c.3935A>G, p.Asn1312Ser (NM_001318831.2); c.4499A>G, p.Asn1500Ser (NM_001318832.2); c.4469A>G, p.Asn1490Ser (NM_001363528.2); c.4535A>G, p.Asn1512Ser (NM_001370404.1); and 1 more; short protein forms N1556S, N1312S, N1441S, N1500S, N1489S, N1533S, N1453S, N1490S.
Identifiers: ClinVar variation 578149 (VCV000578149.8), dbSNP rs1567532307, ClinGen allele CA394306877.

ClinVar aggregate classification (germline): Uncertain significance (1 of 4 stars; one submission).

Conditions:
Tuberous sclerosis 2 (TSC2). Identifiers: Orphanet 805, MedGen C1860707, MONDO:0013199, OMIM 613254.

Allele frequency attached by ClinVar (database versions not stated): gnomAD exomes below 0.00001.
gnomAD v4.1: 1 of 1,612,332 alleles (0.000062%); highest among the groups gnomAD compares: East Asian, 0.0022%; no homozygotes.

Submission:

Labcorp Genetics (formerly Invitae), Labcorp
Classification: Uncertain significance for Tuberous sclerosis 2. Last evaluated: 2022-07-06. Review status: criteria provided, single submitter. Criteria: Invitae Variant Classification Sherloc (09022015). Collection method: clinical testing. Allele origin: germline.
Comment: This variant is not present in population databases (gnomAD no frequency). In summary, the available evidence is currently insufficient to determine the role of this variant in disease. Therefore, it has been classified as a Variant of Uncertain Significance. Algorithms developed to predict the effect of sequence changes on RNA splicing suggest that this variant may create or strengthen a splice site. Advanced modeling of protein sequence and biophysical properties (such as structural, functional, and spatial information, amino acid conservation, physicochemical variation, residue mobility, and thermodynamic stability) performed at Invitae indicates that this missense variant is not expected to disrupt TSC2 protein function. ClinVar contains an entry for this variant (Variation ID: 578149). This variant has not been reported in the literature in individuals affected with TSC2-related conditions. This sequence change replaces asparagine, which is neutral and polar, with serine, which is neutral and polar, at codon 1556 of the TSC2 protein (p.Asn1556Ser).